The following is an entry in ClinVar:

NM_004055.5(CAPN5):c.671G>A (p.Arg224Gln)

Gene: CAPN5 (calpain 5; plus strand). Cytogenetic location: 11q13.5.
Variant type: single nucleotide variant.
Coding change: c.671G>A on transcript NM_004055.5 (MANE Select); coding-DNA position 671, G replaced by A.
Protein change: p.Arg224Gln; replaces arginine 224 with glutamine.
Molecular consequence: missense variant.
Genome position (GRCh38, 1-based): chr11:77,114,406, G>A. VCF-style: chr11-77114406-G-A. GRCh37 (hg19) VCF-style: chr11-76825452-G-A.
Other names: short protein forms R224Q.
Identifiers: ClinVar variation 1057233 (VCV001057233.10), dbSNP rs200993761, ClinGen allele CA6196499.
Genomic context (GRCh38, chr11:77,114,406, plus strand): 5'-TTGCCAACGATGAGACTAAGAGGAACCAGCTCTTTGAGCGCATGTTAAAGGTGCACAGCC[G>A]GGGCGGCCTCATCAGTGCCTCCATCAAGGTGAGAACACGGCAGTCCCCAGAGGCGACCCC-3'
Protein context (NP_004046.2, residues 214-234): LFERMLKVHS[Arg224Gln]GGLISASIKA

ClinVar aggregate classification (germline): Uncertain significance. Review status: criteria provided, multiple submitters, no conflicts (2 of 4 stars). 2 submissions from 2 submitters: Uncertain significance (2). Last evaluated 2026-01-21.

Allele frequency attached by ClinVar (database versions not stated): gnomAD 0.00001; TOPMed 0.00002; ESP Exome Variant Server 0.00008; 1000 Genomes Project 30x 0.00016; 1000 Genomes Project 0.00020.
gnomAD v4.1: 37 of 1,614,172 alleles (0.0023%); highest among the groups gnomAD compares: Middle Eastern, 0.05%; no homozygotes.

Submissions (2):

Labcorp Genetics (formerly Invitae), Labcorp
Classification: Uncertain significance. Last evaluated: 2026-01-21. Review status: criteria provided, single submitter. Criteria: Invitae Variant Classification Sherloc (09022015). Collection method: clinical testing. Allele origin: germline.
Comment: This sequence change replaces arginine, which is basic and polar, with glutamine, which is neutral and polar, at codon 224 of the CAPN5 protein (p.Arg224Gln). This variant is present in population databases (rs200993761, gnomAD 0.006%). This variant has not been reported in the literature in individuals affected with CAPN5-related conditions. ClinVar contains an entry for this variant (Variation ID: 1057233). Invitae Evidence Modeling of protein sequence and biophysical properties (such as structural, functional, and spatial information, amino acid conservation, physicochemical variation, residue mobility, and thermodynamic stability) indicates that this missense variant is not expected to disrupt CAPN5 protein function with a negative predictive value of 80%. In summary, the available evidence is currently insufficient to determine the role of this variant in disease. Therefore, it has been classified as a Variant of Uncertain Significance.

Blueprint Genetics
Classification: Uncertain significance. Last evaluated: 2024-08-29. Review status: criteria provided, single submitter. Criteria: ACMG Guidelines, 2015. Collection method: clinical testing. Allele origin: germline.